The following is an entry in ClinVar:

ClinVar aggregate classification (germline): Uncertain significance (1 of 4 stars; one submission).

Allele frequency attached by ClinVar (database versions not stated): gnomAD exomes below 0.00001.
gnomAD v4.1: 1 of 1,614,042 alleles (0.000062%); highest among the groups gnomAD compares: Non-Finnish European, 0.000085%; no homozygotes.

Submission:

Labcorp Genetics (formerly Invitae), Labcorp
Classification: Uncertain significance. Last evaluated: 2022-07-25. Review status: criteria provided, single submitter. Criteria: Invitae Variant Classification Sherloc (09022015). Collection method: clinical testing. Allele origin: germline.
Comment: In summary, the available evidence is currently insufficient to determine the role of this variant in disease. Therefore, it has been classified as a Variant of Uncertain Significance. Algorithms developed to predict the effect of missense changes on protein structure and function (SIFT, PolyPhen-2, Align-GVGD) all suggest that this variant is likely to be disruptive. ClinVar contains an entry for this variant (Variation ID: 1487997). This variant has not been reported in the literature in individuals affected with CLRN1-related conditions. This variant is present in population databases (no rsID available, gnomAD 0.0009%). This sequence change replaces leucine, which is neutral and non-polar, with histidine, which is basic and polar, at codon 90 of the CLRN1 protein (p.Leu90His).

NM_174878.3(CLRN1):c.269T>A (p.Leu90His)

Gene: CLRN1 (clarin 1; minus strand). Cytogenetic location: 3q25.1.
Variant type: single nucleotide variant.
Coding change: c.269T>A on transcript NM_174878.3 (MANE Select); coding-DNA position 269, T replaced by A.
Protein change: p.Leu90His; replaces leucine 90 with histidine.
Molecular consequence: missense variant. On other transcripts: synonymous variant (1), non-coding transcript variant (1).
Genome position (GRCh38, 1-based): chr3:150,941,746, A>T on the plus strand (T>A on the coding strand, the complement: CLRN1 is on the minus strand). VCF-style: chr3-150941746-A-T. GRCh37 (hg19) VCF-style: chr3-150659533-A-T.
Other names: c.269T>A, p.Leu90His (NM_001195794.1); c.441T>A, p.Ala147= (NM_001256819.2); c.41T>A, p.Leu14His (NM_052995.2); short protein forms L90H, L14H.
Identifiers: ClinVar variation 1487997 (VCV001487997.6), dbSNP rs1164747768, ClinGen allele CA354956133.